The following is an entry in ClinVar:

ClinVar aggregate classification (germline): Uncertain significance (1 of 4 stars; one submission).

Conditions:
Hereditary pulmonary alveolar proteinosis. Also called: Pulmonary surfactant metabolism dysfunction. Identifiers: Orphanet 264675, MedGen C3711368, MONDO:0012580.

Allele frequency attached by ClinVar (database versions not stated): TOPMed below 0.00001; gnomAD exomes below 0.00001.
gnomAD v4.1: 1 of 1,614,176 alleles (0.000062%); highest among the groups gnomAD compares: Admixed American, 0.0017%; no homozygotes.

Submission:

Ambry Genetics
Classification: Uncertain significance for Hereditary pulmonary alveolar proteinosis. Last evaluated: 2026-06-05. Review status: criteria provided, single submitter. Criteria: Ambry Variant Classification Scheme 2023. Collection method: clinical testing. Allele origin: germline.
Comment: The p.K428R variant (also known as c.1283A>G), located in coding exon 8 of the ABCA3 gene, results from an A to G substitution at nucleotide position 1283. The lysine at codon 428 is replaced by arginine, an amino acid with highly similar properties. This amino acid position is conserved. In addition, this alteration is predicted to be tolerated by in silico analysis. Based on the available evidence, the clinical significance of this variant remains unclear.

NM_001089.3(ABCA3):c.1283A>G (p.Lys428Arg)

Gene: ABCA3 (ATP binding cassette subfamily A member 3; minus strand). Cytogenetic location: 16p13.3.
Variant type: single nucleotide variant.
Coding change: c.1283A>G on transcript NM_001089.3 (MANE Select); coding-DNA position 1283, A replaced by G.
Protein change: p.Lys428Arg; replaces lysine 428 with arginine.
Molecular consequence: missense variant.
Genome position (GRCh38, 1-based): chr16:2,308,452, T>C on the plus strand (A>G on the coding strand, the complement: ABCA3 is on the minus strand). VCF-style: chr16-2308452-T-C. GRCh37 (hg19) VCF-style: chr16-2358453-T-C.
Other names: short protein forms K428R.
Identifiers: ClinVar variation 2321678 (VCV002321678.3), dbSNP rs1293736885, ClinGen allele CA394339113.